The following is an entry in ClinVar:

ClinVar aggregate classification (germline): Pathogenic (1 of 4 stars; one submission).

Conditions:
Early-infantile DEE. Also called: Ohtahara syndrome; Early infantile epileptic encephalopathy with suppression bursts; Early infantile epileptic encephalopathy. Identifiers: Orphanet 1934, MedGen C0393706, MONDO:0800491.

Submission:

Labcorp Genetics (formerly Invitae), Labcorp
Classification: Pathogenic for Early-infantile DEE. Last evaluated: 2023-10-13. Review status: criteria provided, single submitter. Criteria: Invitae Variant Classification Sherloc (09022015). Collection method: clinical testing. Allele origin: germline.
Comment: This sequence change replaces aspartic acid, which is acidic and polar, with asparagine, which is neutral and polar, at codon 382 of the SCN1A protein (p.Asp382Asn). This variant is not present in population databases (gnomAD no frequency). This missense change has been observed in individual(s) with epilepsy (PMID: 21248271; Invitae). In at least one individual the variant was observed to be de novo. ClinVar contains an entry for this variant (Variation ID: 836438). Advanced modeling of protein sequence and biophysical properties (such as structural, functional, and spatial information, amino acid conservation, physicochemical variation, residue mobility, and thermodynamic stability) performed at Invitae indicates that this missense variant is expected to disrupt SCN1A protein function. For these reasons, this variant has been classified as Pathogenic.

Literature cited by the submitters: PubMed 21248271.

NM_001165963.4(SCN1A):c.1144G>A (p.Asp382Asn)

Gene: SCN1A (sodium voltage-gated channel alpha subunit 1; minus strand). Cytogenetic location: 2q24.3.
Variant type: single nucleotide variant.
Coding change: c.1144G>A on transcript NM_001165963.4 (MANE Select); coding-DNA position 1144, G replaced by A.
Protein change: p.Asp382Asn; replaces aspartic acid 382 with asparagine.
Molecular consequence: missense variant. On other transcripts: 5 prime UTR variant (1), non-coding transcript variant (1).
Genome position (GRCh38, 1-based): chr2:166,047,653, C>T on the plus strand (G>A on the coding strand, the complement: SCN1A is on the minus strand). VCF-style: chr2-166047653-C-T. GRCh37 (hg19) VCF-style: chr2-166904163-C-T.
Other names: c.1144G>A, p.Asp382Asn (NM_001165964.3, NM_001202435.3, NM_001353948.2 and 10 more transcripts); c.-1282G>A (NM_001353961.2); short protein forms D382N.
Identifiers: ClinVar variation 836438 (VCV000836438.9), dbSNP rs1698002491, ClinGen allele CA349071124.
Genomic context (GRCh38, chr2:166,047,653, plus strand): 5'-ACTTAAATGGAGAGTGTGGCTCTTTAGTTCTCACCAGTTGATAAAGATTTTCCCAGAAGT[C>T]CTGAGTCATTAGTCGAAACAAGGACAAAAAAGCCCAACTGAAGGTATCAAAGCTTGTGTA-3'
Protein context (NP_001159435.1, residues 372-392): FLSLFRLMTQ[Asp382Asn]FWENLYQLTL